The following is an entry in ClinVar:

NM_031407.7(HUWE1):c.9912G>T (p.Gln3304His)

Gene: HUWE1 (HECT, UBA and WWE domain containing E3 ubiquitin protein ligase 1; minus strand). Cytogenetic location: Xp11.22.
Variant type: single nucleotide variant.
Coding change: c.9912G>T on transcript NM_031407.7 (MANE Select); coding-DNA position 9912, G replaced by T.
Protein change: p.Gln3304His; replaces glutamine 3304 with histidine.
Molecular consequence: missense variant.
Genome position (GRCh38, 1-based): chrX:53,549,082, C>A on the plus strand (G>T on the coding strand, the complement: HUWE1 is on the minus strand). VCF-style: chrX-53549082-C-A. GRCh37 (hg19) VCF-style: chrX-53576043-C-A.
Other names: short protein forms Q3304H.
Identifiers: ClinVar variation 3631368 (VCV003631368.3).

ClinVar aggregate classification (germline): Uncertain significance (1 of 4 stars; one submission).

Submissions (2):

Labcorp Genetics (formerly Invitae), Labcorp
Classification: Uncertain significance. Last evaluated: 2025-01-22. Review status: criteria provided, single submitter. Criteria: Invitae Variant Classification Sherloc (09022015). Collection method: clinical testing. Allele origin: germline.
Comment: This sequence change replaces glutamine, which is neutral and polar, with histidine, which is basic and polar, at codon 3304 of the HUWE1 protein (p.Gln3304His). This variant is not present in population databases (gnomAD no frequency). This variant has not been reported in the literature in individuals affected with HUWE1-related conditions. Invitae Evidence Modeling of protein sequence and biophysical properties (such as structural, functional, and spatial information, amino acid conservation, physicochemical variation, residue mobility, and thermodynamic stability) has been performed for this missense variant. However, the output from this modeling did not meet the statistical confidence thresholds required to predict the impact of this variant on HUWE1 protein function. In summary, the available evidence is currently insufficient to determine the role of this variant in disease. Therefore, it has been classified as a Variant of Uncertain Significance.

Dr. Peter K. Rogan Lab, Western University
No classification provided (evidence only). Condition: Thyroid cancer, nonmedullary, 1. Review status: no classification provided. Collection method: in vitro. Allele origin: not applicable. Functional consequence: skipped exon. Not counted in ClinVar's aggregate classification.